The following is an entry in ClinVar:

ClinVar aggregate classification (germline): Conflicting classifications of pathogenicity. Review status: criteria provided, conflicting classifications (1 of 4 stars). 2 submissions from 2 submitters: Uncertain significance (1); Likely benign (1). Last evaluated 2026-06-08.

Conditions:
Hereditary cancer-predisposing syndrome. Also called: Tumor predisposition; Hereditary neoplastic syndrome; Neoplastic Syndromes, Hereditary; Hereditary Cancer Syndrome. Identifiers: Orphanet 140162, MedGen C0027672, MeSH D009386, MONDO:0015356.
Multiple endocrine neoplasia, type 1 (MEN1). Also called: MEA I; MEN I; WERMER SYNDROME; Endocrine adenomatosis multiple; MEN 1. Identifiers: Orphanet 652, MedGen C0025267, MeSH D018761, MONDO:0007540, OMIM 131100.

Allele frequency attached by ClinVar (database versions not stated): gnomAD exomes below 0.00001; TOPMed below 0.00001.

Submissions (2):

Ambry Genetics
Classification: Uncertain significance for Hereditary cancer-predisposing syndrome. Last evaluated: 2026-06-08. Review status: criteria provided, single submitter. Criteria: Ambry Variant Classification Scheme 2023. Collection method: clinical testing. Allele origin: germline.
Comment: The p.G609V variant (also known as c.1826G>T), located in coding exon 9 of the MEN1 gene, results from a G to T substitution at nucleotide position 1826. The glycine at codon 609 is replaced by valine, an amino acid with dissimilar properties. This amino acid position is highly conserved in available vertebrate species. In addition, the in silico prediction for this alteration is inconclusive. Based on the available evidence, the clinical significance of this variant remains unclear.

Labcorp Genetics (formerly Invitae), Labcorp
Classification: Likely benign for Multiple endocrine neoplasia, type 1. Last evaluated: 2024-06-11. Review status: criteria provided, single submitter. Criteria: Invitae Variant Classification Sherloc (09022015). Collection method: clinical testing. Allele origin: germline.

NM_001370259.2(MEN1):c.1826G>T (p.Gly609Val)

Gene: MEN1 (menin 1; minus strand). Cytogenetic location: 11q13.1.
Variant type: single nucleotide variant.
Coding change: c.1826G>T on transcript NM_001370259.2 (MANE Select); coding-DNA position 1826, G replaced by T.
Protein change: p.Gly609Val; replaces glycine 609 with valine.
Molecular consequence: missense variant.
Genome position (GRCh38, 1-based): chr11:64,804,341, C>A on the plus strand (G>T on the coding strand, the complement: MEN1 is on the minus strand). VCF-style: chr11-64804341-C-A. GRCh37 (hg19) VCF-style: chr11-64571813-C-A.
Other names: c.1841G>T, p.Gly614Val (NM_000244.4, NM_130800.3, NM_130801.3 and 3 more transcripts); c.1952G>T, p.Gly651Val (NM_001370251.2); c.1826G>T, p.Gly609Val (NM_001370260.2, NM_001370261.2, NM_130799.3); c.1721G>T, p.Gly574Val (NM_001370262.2, NM_001370263.2); short protein forms G614V, G609V, G574V, G651V.
Identifiers: ClinVar variation 527289 (VCV000527289.9), dbSNP rs1186858249, ClinGen allele CA381177026.
Genomic context (GRCh38, chr11:64,804,341, plus strand): 5'-GGGACTAAGGGCGGAGCCTGGGTCCCCACAAGCGGTCCGAAGTCCCCAGTAGTTCAGAGG[C>A]CTTTGCGCTGCCGCTTGAGGAAAGACAGAGTGTAGTCACTAGGGGTGGACACTTTCTGCT-3'
Protein context (NP_001357188.2, residues 599-610): TLSFLKRQRK[Gly609Val]L